The following is an entry in ClinVar:

ClinVar aggregate classification (germline): Uncertain significance (1 of 4 stars; one submission).

Submission:

GeneDx
Classification: Uncertain significance. Last evaluated: 2025-07-17. Review status: criteria provided, single submitter. Criteria: GeneDx Variant Classification Process June 2021. Collection method: clinical testing. Allele origin: germline. Affected: yes.
Comment: Not observed at significant frequency in large population cohorts (gnomAD); In silico analysis supports that this missense variant has a deleterious effect on protein structure/function; Has not been previously published as pathogenic or benign to our knowledge

NM_032536.4(NTNG2):c.773G>T (p.Arg258Leu)

Gene: NTNG2 (netrin G2; plus strand). Cytogenetic location: 9q34.13.
Variant type: single nucleotide variant.
Coding change: c.773G>T on transcript NM_032536.4 (MANE Select); coding-DNA position 773, G replaced by T.
Protein change: p.Arg258Leu; replaces arginine 258 with leucine.
Molecular consequence: missense variant.
Genome position (GRCh38, 1-based): chr9:132,198,525, G>T. VCF-style: chr9-132198525-G-T. GRCh37 (hg19) VCF-style: chr9-135073912-G-T.
Other names: short protein forms R258L.
Identifiers: ClinVar variation 4686293 (VCV004686293.1).
Genomic context (GRCh38, chr9:132,198,525, plus strand): 5'-AGAGCGCCAAGGGCCTCAAGGAGTTCTTCACCCTCACCGACCTGCGCATGCGGCTGCTGC[G>T]CCCGGCGCTGGGCGGCACCTATGTGCAGCGGGAGAACCTCTACAAGTACTTCTACGCCAT-3'
Protein context (NP_115925.2, residues 248-268): TLTDLRMRLL[Arg258Leu]PALGGTYVQR